The following is an entry in ClinVar:

ClinVar aggregate classification (germline): Uncertain significance (1 of 4 stars; one submission).

Conditions:
Hereditary cancer-predisposing syndrome. Also called: Neoplastic Syndromes, Hereditary; Tumor predisposition; Hereditary neoplastic syndrome; Hereditary Cancer Syndrome. Identifiers: Orphanet 140162, MedGen C0027672, MeSH D009386, MONDO:0015356.

Submission:

Ambry Genetics
Classification: Uncertain significance for Hereditary cancer-predisposing syndrome. Last evaluated: 2024-06-04. Review status: criteria provided, single submitter. Criteria: Ambry Variant Classification Scheme 2023. Collection method: clinical testing. Allele origin: germline.
Comment: The p.H732L variant (also known as c.2195A>T), located in coding exon 15 of the TSC1 gene, results from an A to T substitution at nucleotide position 2195. The histidine at codon 732 is replaced by leucine, an amino acid with similar properties. This amino acid position is conserved. In addition, the in silico prediction for this alteration is inconclusive. Based on the available evidence, the clinical significance of this variant remains unclear.

NM_000368.5(TSC1):c.2195A>T (p.His732Leu)

Gene: TSC1 (TSC complex subunit 1; minus strand). Cytogenetic location: 9q34.13.
Variant type: single nucleotide variant.
Coding change: c.2195A>T on transcript NM_000368.5 (MANE Select); coding-DNA position 2195, A replaced by T.
Protein change: p.His732Leu; replaces histidine 732 with leucine.
Molecular consequence: missense variant. On other transcripts: non-coding transcript variant (4).
Genome position (GRCh38, 1-based): chr9:132,903,664, T>A on the plus strand (A>T on the coding strand, the complement: TSC1 is on the minus strand). VCF-style: chr9-132903664-T-A. GRCh37 (hg19) VCF-style: chr9-135779051-T-A.
Other names: c.2192A>T, p.His731Leu (NM_001162426.2, NM_001406597.1, NM_001406598.1 and 4 more transcripts); c.2042A>T, p.His681Leu (NM_001162427.2, NM_001406610.1); c.1832A>T, p.His611Leu (NM_001362177.2, NM_001406614.1, NM_001406615.1 and 5 more transcripts); c.2195A>T, p.His732Leu (NM_001406592.1, NM_001406593.1, NM_001406594.1 and 5 more transcripts); c.2039A>T, p.His680Leu (NM_001406611.1, NM_001406612.1, NM_001406613.1); c.1142A>T, p.His381Leu (NM_001406630.1, NM_001406629.1); c.2180A>T, p.His727Leu (NM_001406601.1, NM_001406602.1); c.2177A>T, p.His726Leu (NM_001406603.1, NM_001406604.1); and 3 more; short protein forms H414L, H610L, H381L, H611L, H680L, H731L, H415L, H681L.
Identifiers: ClinVar variation 3329448 (VCV003329448.1).